The following is an entry in ClinVar:

NM_001009944.3(PKD1):c.11104C>T (p.Gln3702Ter)

Genes: PKD1 (polycystin 1, transient receptor potential channel interacting; minus strand), PKD1-AS1 (PKD1 antisense RNA 1; plus strand). Cytogenetic location: 16p13.3.
Variant type: single nucleotide variant.
Coding change: c.11104C>T on transcript NM_001009944.3 (MANE Select); coding-DNA position 11104, C replaced by T.
Protein change: p.Gln3702Ter; replaces glutamine 3702 with a stop codon.
Molecular consequence: nonsense. On other transcripts: non-coding transcript variant (1).
Genome position (GRCh38, 1-based): chr16:2,093,006, G>A on the plus strand (C>T on the coding strand, the complement: PKD1 is on the minus strand). VCF-style: chr16-2093006-G-A. GRCh37 (hg19) VCF-style: chr16-2143007-G-A.
Other names: p.Gln3702*; c.11101C>T, p.Gln3701Ter (NM_000296.4); short protein forms Q3701*, Q3702*.
Identifiers: ClinVar variation 3338781 (VCV003338781.3).
Genomic context (GRCh38, chr16:2,093,006, plus strand): 5'-GCCCGTACCGCGTGATGGCCAGGAAGGCCCGGCTGTGCAGCTCCTGCTTGATGGCGCTTT[G>A]CAGACGGTAGGCGTGCCCATGGCATGAGGCATCCCCATAGCTGGCCAGCAGGGTCACCAG-3'

ClinVar aggregate classification (germline): Pathogenic. Review status: criteria provided, multiple submitters, no conflicts (2 of 4 stars). 2 submissions from 2 submitters: Pathogenic (2). Last evaluated 2025-01-10.

Submissions (2):

GeneDx
Classification: Pathogenic. Last evaluated: 2025-01-10. Review status: criteria provided, single submitter. Criteria: GeneDx Variant Classification Process June 2021. Collection method: clinical testing. Allele origin: germline. Affected: yes.
Comment: Nonsense variant predicted to result in protein truncation or nonsense mediated decay in a gene for which loss of function is a known mechanism of disease; Not observed at significant frequency in large population cohorts (gnomAD); This variant is associated with the following publications: (PMID: 25525159, 34032358, 12220456, 37231942, 31740684)

Mayo Clinic Laboratories, Mayo Clinic
Classification: Pathogenic. Last evaluated: 2024-09-24. Review status: criteria provided, single submitter. Criteria: ACMG Guidelines, 2015. Collection method: clinical testing. Allele origin: germline. Observed: 1 variant allele.
Comment: PM2, PM6, PVS1

Literature cited by the submitters: PubMed 12220456 (cited by Mayo Clinic Laboratories, Mayo Clinic); PubMed 25525159 (cited by Mayo Clinic Laboratories, Mayo Clinic); PubMed 31740684 (cited by Mayo Clinic Laboratories, Mayo Clinic).